The following is an entry in ClinVar:

ClinVar aggregate classification (germline): Uncertain significance (1 of 4 stars; one submission).

Conditions:
Hereditary cancer-predisposing syndrome. Also called: Neoplastic Syndromes, Hereditary; Tumor predisposition; Hereditary Cancer Syndrome; Hereditary neoplastic syndrome. Identifiers: Orphanet 140162, MedGen C0027672, MeSH D009386, MONDO:0015356.

Submission:

Ambry Genetics
Classification: Uncertain significance for Hereditary cancer-predisposing syndrome. Last evaluated: 2026-05-30. Review status: criteria provided, single submitter. Criteria: Ambry Variant Classification Scheme 2023. Collection method: clinical testing. Allele origin: germline.
Comment: The p.D469V variant (also known as c.1406A>T), located in coding exon 9 of the BRCA2 gene, results from an A to T substitution at nucleotide position 1406. The aspartic acid at codon 469 is replaced by valine, an amino acid with highly dissimilar properties. This amino acid position is conserved. In addition, this alteration is predicted to be tolerated by in silico analysis. Based on the available evidence, the clinical significance of this variant remains unclear.

NM_000059.4(BRCA2):c.1406A>T (p.Asp469Val)

Gene: BRCA2 (BRCA2 DNA repair associated; plus strand). Cytogenetic location: 13q13.1.
Variant type: single nucleotide variant.
Coding change: c.1406A>T on transcript NM_000059.4 (MANE Select); coding-DNA position 1406, A replaced by T.
Protein change: p.Asp469Val; replaces aspartic acid 469 with valine.
Molecular consequence: missense variant. On other transcripts: non-coding transcript variant (1), intron variant (1).
Genome position (GRCh38, 1-based): chr13:32,332,884, A>T. VCF-style: chr13-32332884-A-T. GRCh37 (hg19) VCF-style: chr13-32907021-A-T.
Other names: c.1406A>T, p.Asp469Val (NM_001406719.1, NM_001406720.1, NM_001406721.1 and 1 more transcripts); c.424+1854A>T (NM_001406722.1); short protein forms D469V.
Identifiers: ClinVar variation 4867880 (VCV004867880.1).